The following is an entry in ClinVar:

ClinVar aggregate classification (germline): Pathogenic (1 of 4 stars; one submission).

Conditions:
Cornelia de Lange syndrome 1 (CDLS1). Also called: Brachmann de Lange syndrome; NIPBL-Related Cornelia de Lange Syndrome; TYPUS DEGENERATIVUS AMSTELODAMENSIS. Identifiers: Orphanet 199, MedGen C4551851, MONDO:0007387, OMIM 122470.

Submission:

Labcorp Genetics (formerly Invitae), Labcorp
Classification: Pathogenic for Cornelia de Lange syndrome 1. Last evaluated: 2022-08-28. Review status: criteria provided, single submitter. Criteria: Invitae Variant Classification Sherloc (09022015). Collection method: clinical testing. Allele origin: germline.
Comment: This sequence change creates a premature translational stop signal (p.Lys902Glnfs*26) in the NIPBL gene. It is expected to result in an absent or disrupted protein product. Loss-of-function variants in NIPBL are known to be pathogenic (PMID: 15318302, 19763162, 23505322, 29995837). For these reasons, this variant has been classified as Pathogenic. This variant has not been reported in the literature in individuals affected with NIPBL-related conditions. This variant is not present in population databases (gnomAD no frequency).

Literature cited by the submitters: PubMed 15318302; PubMed 19763162; PubMed 23505322; PubMed 29995837.

NM_133433.4(NIPBL):c.2704_2707del (p.Lys902fs)

Gene: NIPBL (NIPBL cohesin loading factor; plus strand). Cytogenetic location: 5p13.2.
Variant type: Deletion.
Coding change: c.2704_2707del on transcript NM_133433.4 (MANE Select); coding-DNA positions 2704 to 2707, 4 bases deleted (AAAT; older notation c.2704_2707delAAAT).
Protein change: p.Lys902fs; shifts the reading frame from lysine 902.
Molecular consequence: frameshift variant.
Genome position (GRCh38, 1-based): chr5:36,985,884-36,985,887, AAAT deleted; deleting any 4 consecutive bases within chr5:36,985,881-36,985,887 gives the same sequence; the c. name uses the placement nearest the transcript's 3' end. VCF-style (leftmost placement, unchanged base first): chr5-36985880-TAATA-T. GRCh37 (hg19) VCF-style: chr5-36985982-TAATA-T.
Other names: c.2704_2707del, p.Lys902fs (NM_015384.5); short protein forms K902fs.
Identifiers: ClinVar variation 2027627 (VCV002027627.4), dbSNP rs2477936695, ClinGen allele CA2580073275.
Genomic context (GRCh38, chr5:36,985,880, plus strand): 5'-ACCATCTTCTGGGGAACAAAAATCAAGACCTGACAGTCCTCGTGTTAAACAAGGAGATTC[TAATA>T]AATCAAGATCTGATAAACTTGGTTTTAAATCACCAACTAGTAAAGATGACAAAAGGACAG-3'